The following is an entry in ClinVar:

NM_001242896.3(DEPDC5):c.1684A>G (p.Met562Val)

Gene: DEPDC5 (DEP domain containing 5, GATOR1 subcomplex subunit; plus strand). Cytogenetic location: 22q12.3.
Variant type: single nucleotide variant.
Coding change: c.1684A>G on transcript NM_001242896.3 (MANE Select); coding-DNA position 1684, A replaced by G.
Protein change: p.Met562Val; replaces methionine 562 with valine.
Molecular consequence: missense variant. On other transcripts: non-coding transcript variant (5).
Genome position (GRCh38, 1-based): chr22:31,819,039, A>G. VCF-style: chr22-31819039-A-G. GRCh37 (hg19) VCF-style: chr22-32215025-A-G.
Other names: c.1684A>G, p.Met562Val (NM_001136029.4, NM_001242897.2, NM_001363852.2 and 6 more transcripts); c.1600A>G, p.Met534Val (NM_001369901.1, NM_001369902.1); short protein forms M562V, M534V.
Identifiers: ClinVar variation 2967663 (VCV002967663.3), dbSNP rs2519373506, ClinGen allele CA411280269.
Genomic context (GRCh38, chr22:31,819,039, plus strand): 5'-TCTGTGGTTTTTCTTTGTGACTCAACTCCATGATAACTGGCAGATGTCCTGGAGAACATG[A>G]TGGAGCCACCACAGCGAGACTCCAGTGCACCAGGGAGGTTTCACGTTGGCAGTGCAGAAT-3'
Protein context (NP_001229825.1, residues 552-572): TSTRDVLENM[Met562Val]EPPQRDSSAP

ClinVar aggregate classification (germline): Uncertain significance (1 of 4 stars; one submission).

Conditions:
Familial focal epilepsy with variable foci (FPEVF). Identifiers: Orphanet 98820, MedGen C1858477, MONDO:0020310.

gnomAD v4.1: 1 of 1,614,158 alleles (0.000062%); highest among the groups gnomAD compares: Non-Finnish European, 0.000085%; no homozygotes.

Submission:

Labcorp Genetics (formerly Invitae), Labcorp
Classification: Uncertain significance for Familial focal epilepsy with variable foci. Last evaluated: 2024-01-06. Review status: criteria provided, single submitter. Criteria: Invitae Variant Classification Sherloc (09022015). Collection method: clinical testing. Allele origin: germline.
Comment: This sequence change replaces methionine, which is neutral and non-polar, with valine, which is neutral and non-polar, at codon 562 of the DEPDC5 protein (p.Met562Val). This variant is not present in population databases (gnomAD no frequency). This variant has not been reported in the literature in individuals affected with DEPDC5-related conditions. Algorithms developed to predict the effect of missense changes on protein structure and function output the following: SIFT: "Not Available"; PolyPhen-2: "Not Available"; Align-GVGD: "Not Available". The valine amino acid residue is found in multiple mammalian species, which suggests that this missense change does not adversely affect protein function. In summary, the available evidence is currently insufficient to determine the role of this variant in disease. Therefore, it has been classified as a Variant of Uncertain Significance.